The following is an entry in ClinVar:

NM_023036.6(DNAI2):c.1407C>A (p.Cys469Ter)

Gene: DNAI2 (dynein axonemal intermediate chain 2; plus strand). Cytogenetic location: 17q25.1.
Variant type: single nucleotide variant.
Coding change: c.1407C>A on transcript NM_023036.6 (MANE Select); coding-DNA position 1407, C replaced by A.
Protein change: p.Cys469Ter; replaces cysteine 469 with a stop codon.
Molecular consequence: nonsense. On other transcripts: non-coding transcript variant (1).
Genome position (GRCh38, 1-based): chr17:74,310,076, C>A. VCF-style: chr17-74310076-C-A. GRCh37 (hg19) VCF-style: chr17-72306215-C-A.
Other names: c.1371C>A, p.Cys457Ter (NM_001172810.3); c.1407C>A, p.Cys469Ter (NM_001353167.2); c.1407C>A (NM_023036.4, NM_023036.5); short protein forms C457*, C469*.
Identifiers: ClinVar variation 1407109 (VCV001407109.8), dbSNP rs143723454, ClinGen allele CA400912752.

ClinVar aggregate classification (germline): Conflicting classifications of pathogenicity. Review status: criteria provided, conflicting classifications (1 of 4 stars). 3 submissions from 3 submitters: Pathogenic (1); Likely pathogenic (1); Uncertain significance (1). Last evaluated 2025-06-24.

Conditions:
Primary ciliary dyskinesia. Also called: Ciliary dyskinesia. Identifiers: Orphanet 244, MedGen C0008780, MONDO:0016575, HP:0012265.
Primary ciliary dyskinesia 9. Also called: CILIARY DYSKINESIA, PRIMARY, 9, WITH OR WITHOUT SITUS INVERSUS. Identifiers: Orphanet 244, MedGen C2676235, MONDO:0012906, OMIM 612444.

gnomAD v4.1: 1 of 1,613,886 alleles (0.000062%); highest among the groups gnomAD compares: South Asian, 0.0011%; no homozygotes.

Submissions (3):

Natera, Inc.
Classification: Likely pathogenic for Primary ciliary dyskinesia. Last evaluated: 2025-06-24. Review status: criteria provided, single submitter. Criteria: Natera Variant Classification Schema (03/2026). Collection method: clinical testing. Allele origin: germline.
Comment: The c.1407C>A variant in DNAI2 is a nonsense variant predicted to introduce a stop codon at amino acid 469. This variant is expected to result in nonsense mediated decay, truncation, or a dysfunctional protein product. This variant is rare in the general population with a frequency below the threshold expected for the associated phenotype(s). Given the available evidence, this variant is classified as Likely Pathogenic.

Labcorp Genetics (formerly Invitae), Labcorp
Classification: Pathogenic for Primary ciliary dyskinesia. Last evaluated: 2024-10-29. Review status: criteria provided, single submitter. Criteria: Invitae Variant Classification Sherloc (09022015). Collection method: clinical testing. Allele origin: germline.
Comment: This sequence change creates a premature translational stop signal (p.Cys469*) in the DNAI2 gene. It is expected to result in an absent or disrupted protein product. Loss-of-function variants in DNAI2 are known to be pathogenic (PMID: 18950741, 23891469). This variant is not present in population databases (gnomAD no frequency). This variant has not been reported in the literature in individuals affected with DNAI2-related conditions. ClinVar contains an entry for this variant (Variation ID: 1407109). Algorithms developed to predict the effect of sequence changes on RNA splicing suggest that this variant may disrupt the consensus splice site. For these reasons, this variant has been classified as Pathogenic.

Genomic Medicine Center of Excellence, King Faisal Specialist Hospital and Research Centre
Classification: Uncertain significance for Primary ciliary dyskinesia 9. Last evaluated: 2024-03-25. Review status: criteria provided, single submitter. Criteria: ACMG Guidelines, 2015. Collection method: clinical testing. Allele origin: germline.

Literature cited by the submitters: PubMed 18950741 (cited by Labcorp Genetics (formerly Invitae), Labcorp); PubMed 23891469 (cited by Labcorp Genetics (formerly Invitae), Labcorp).